The following is an entry in ClinVar:

ClinVar aggregate classification (germline): Pathogenic. Review status: criteria provided, multiple submitters, no conflicts (2 of 4 stars). 2 submissions from 2 submitters: Pathogenic (2). Last evaluated 2023-06-15.

Conditions:
Hereditary nonpolyposis colorectal neoplasms. Identifiers: MedGen C0009405, MeSH D003123.
Lynch syndrome. Identifiers: Orphanet 144, MedGen C4552100, MONDO:0005835. Disease mechanism: loss of function.

Submissions (2):

Labcorp Genetics (formerly Invitae), Labcorp
Classification: Pathogenic for Hereditary nonpolyposis colorectal neoplasms. Last evaluated: 2023-06-15. Review status: criteria provided, single submitter. Criteria: Invitae Variant Classification Sherloc (09022015). Collection method: clinical testing. Allele origin: germline.
Comment: For these reasons, this variant has been classified as Pathogenic. This variant disrupts a region of the PMS2 protein in which other variant(s) (p.Asn823Lysfs*63) have been determined to be pathogenic (PMID: 31992580; Invitae). This suggests that this is a clinically significant region of the protein, and that variants that disrupt it are likely to be disease-causing. This variant disrupts the MLH1 interaction domain of the PMS2 protein, which has been shown to be critical for PMS2-MLH1 dimerization (PMID: 10037723), and therefore mismatch repair activity (PMID: 16338176, 20533529). While functional studies have not been performed to directly test the effect of this variant on PMS2 protein function, this suggests that disruption of this region of the protein is causative of disease. ClinVar contains an entry for this variant (Variation ID: 434032). This premature translational stop signal has been observed in individual(s) with clinical features of constitutional mismatch repair deficiency syndrome (PMID: 24440087). The frequency data for this variant in the population databases (gnomAD) is considered unreliable due to the presence of homologous sequence, such as pseudogenes or paralogs, in the genome. This sequence change creates a premature translational stop signal (p.Thr820Asnfs*4) in the PMS2 gene. While this is not anticipated to result in nonsense mediated decay, it is expected to disrupt the last 43 amino acid(s) of the PMS2 protein.

Department of Pathology and Laboratory Medicine, Sinai Health System
Classification: Pathogenic for Hereditary nonpolyposis colon cancer. Review status: criteria provided, single submitter. Criteria: ACMG Guidelines, 2015. Collection method: clinical testing. Allele origin: germline. Affected: yes. Study: The Canadian Open Genetics Repository (COGR).

Literature cited by the submitters: PubMed 31992580 (cited by Labcorp Genetics (formerly Invitae), Labcorp); PubMed 10037723 (cited by Labcorp Genetics (formerly Invitae), Labcorp); PubMed 16338176 (cited by Labcorp Genetics (formerly Invitae), Labcorp); PubMed 20533529 (cited by Labcorp Genetics (formerly Invitae), Labcorp); PubMed 24440087 (cited by Labcorp Genetics (formerly Invitae), Labcorp).

NM_000535.7(PMS2):c.2458dup (p.Thr820fs)

Gene: PMS2 (PMS1 homolog 2, mismatch repair system component; minus strand). Cytogenetic location: 7p22.1.
Variant type: Duplication.
Coding change: c.2458dup on transcript NM_000535.7 (MANE Select); coding-DNA position 2458, one base duplicated (A; older notation c.2458dupA).
Protein change: p.Thr820fs; shifts the reading frame from threonine 820.
Molecular consequence: frameshift variant. On other transcripts: non-coding transcript variant (1).
Genome position (GRCh38, 1-based): chr7:5,973,530, T duplicated on the plus strand (A on the coding strand, the reverse complement: PMS2 is on the minus strand). VCF-style (leftmost placement, unchanged base first): chr7-5973529-G-GT. GRCh37 (hg19) VCF-style: chr7-6013160-G-GT.
Other names: c.2458dupA (NM_000535.5); c.2053dup, p.Thr685fs (NM_001322003.2, NM_001322004.2, NM_001322005.2); c.2302dup, p.Thr768fs (NM_001322006.2); c.2140dup, p.Thr714fs (NM_001322007.2, NM_001322008.2); c.2086dup, p.Thr696fs (NM_001322009.2); c.1897dup, p.Thr633fs (NM_001322010.2); c.1525dup, p.Thr509fs (NM_001322011.2, NM_001322012.2); c.1885dup, p.Thr629fs (NM_001322013.2); and 2 more; short protein forms T696fs, T685fs, T820fs, T509fs, T629fs, T714fs, T768fs, T831fs.
Identifiers: ClinVar variation 434032 (VCV000434032.4), dbSNP rs1554292880, ClinGen allele CA645372835.